The following is an entry in ClinVar:

ClinVar aggregate classification (germline): Uncertain significance (1 of 4 stars; one submission).

gnomAD v4.1: 1 of 1,534,378 alleles (0.000065%); highest among the groups gnomAD compares: Admixed American, 0.002%; no homozygotes.

Submission:

GeneDx
Classification: Uncertain significance. Last evaluated: 2024-11-15. Review status: criteria provided, single submitter. Criteria: GeneDx Variant Classification Process June 2021. Collection method: clinical testing. Allele origin: germline. Affected: yes.
Comment: In silico analysis indicates that this missense variant does not alter protein structure/function; Has not been previously published as pathogenic or benign to our knowledge

NM_001330700.2(TOP2B):c.19T>C (p.Cys7Arg)

Genes: TOP2B (DNA topoisomerase II beta; minus strand), LOC129936375 (ATAC-STARR-seq lymphoblastoid silent region 14146; plus strand). Cytogenetic location: 3p24.2.
Variant type: single nucleotide variant.
Coding change: c.19T>C on transcript NM_001330700.2 (MANE Select); coding-DNA position 19, T replaced by C.
Protein change: p.Cys7Arg; replaces cysteine 7 with arginine.
Molecular consequence: missense variant.
Genome position (GRCh38, 1-based): chr3:25,664,279, A>G on the plus strand (T>C on the coding strand, the complement: TOP2B is on the minus strand). VCF-style: chr3-25664279-A-G. GRCh37 (hg19) VCF-style: chr3-25705770-A-G.
Other names: c.19T>C, p.Cys7Arg (NM_001068.3); short protein forms C7R.
Identifiers: ClinVar variation 3899701 (VCV003899701.1).